The following is an entry in ClinVar:

NM_139076.3(ABRAXAS1):c.1217C>A (p.Ser406Tyr)

Gene: ABRAXAS1 (abraxas 1, BRCA1 A complex subunit; minus strand). Cytogenetic location: 4q21.23.
Variant type: single nucleotide variant.
Coding change: c.1217C>A on transcript NM_139076.3 (MANE Select); coding-DNA position 1217, C replaced by A.
Protein change: p.Ser406Tyr; replaces serine 406 with tyrosine.
Molecular consequence: missense variant.
Genome position (GRCh38, 1-based): chr4:83,462,482, G>T on the plus strand (C>A on the coding strand, the complement: ABRAXAS1 is on the minus strand). VCF-style: chr4-83462482-G-T. GRCh37 (hg19) VCF-style: chr4-84383635-G-T.
Other names: c.890C>A, p.Ser297Tyr (NM_001345962.2); short protein forms S406Y, S297Y.
Identifiers: ClinVar variation 953515 (VCV000953515.13), dbSNP rs1325575122, ClinGen allele CA357254869.

ClinVar aggregate classification (germline): Uncertain significance. Review status: criteria provided, multiple submitters, no conflicts (2 of 4 stars). 2 submissions from 2 submitters: Uncertain significance (2). Last evaluated 2024-06-10.

Allele frequency attached by ClinVar (database versions not stated): TOPMed 0.00002.

Submissions (2):

Ambry Genetics
Classification: Uncertain significance. Last evaluated: 2024-06-10. Review status: criteria provided, single submitter. Criteria: Ambry Variant Classification Scheme 2023. Collection method: clinical testing. Allele origin: germline.
Comment: The p.S406Y variant (also known as c.1217C>A), located in coding exon 9 of the FAM175A gene, results from a C to A substitution at nucleotide position 1217. The serine at codon 406 is replaced by tyrosine, an amino acid with dissimilar properties. This amino acid position is conserved. In addition, the in silico prediction for this alteration is inconclusive. Since supporting evidence is limited at this time, the clinical significance of this alteration remains unclear.

Labcorp Genetics (formerly Invitae), Labcorp
Classification: Uncertain significance. Last evaluated: 2022-02-11. Review status: criteria provided, single submitter. Criteria: Invitae Variant Classification Sherloc (09022015). Collection method: clinical testing. Allele origin: germline.
Comment: This sequence change replaces serine, which is neutral and polar, with tyrosine, which is neutral and polar, at codon 406 of the ABRAXAS1 protein (p.Ser406Tyr). This variant is not present in population databases (gnomAD no frequency). This variant has not been reported in the literature in individuals affected with ABRAXAS1-related conditions. ClinVar contains an entry for this variant (Variation ID: 953515). Algorithms developed to predict the effect of missense changes on protein structure and function are either unavailable or do not agree on the potential impact of this missense change (SIFT: "Deleterious"; PolyPhen-2: "Probably Damaging"; Align-GVGD: "Class C0"). In summary, the available evidence is currently insufficient to determine the role of this variant in disease. Therefore, it has been classified as a Variant of Uncertain Significance.